The following is an entry in ClinVar:

NM_001034853.2(RPGR):c.2654_2672dup (p.Glu892fs)

Gene: RPGR (retinitis pigmentosa GTPase regulator; minus strand). Cytogenetic location: Xp11.4.
Variant type: Duplication.
Coding change: c.2654_2672dup on transcript NM_001034853.2 (MANE Select); coding-DNA positions 2654 to 2672, 19 bases duplicated (GGGAGGGAGAAGAGGAAGG).
Protein change: p.Glu892fs; shifts the reading frame from glutamic acid 892.
Molecular consequence: frameshift variant. On other transcripts: intron variant (8).
Genome position (GRCh38, 1-based): chrX:38,286,327-38,286,345, CCTTCCTCTTCTCCCTCCC duplicated on the plus strand (GGGAGGGAGAAGAGGAAGG on the coding strand, the reverse complement: RPGR is on the minus strand); duplicating any 19 consecutive bases within chrX:38,286,327-38,286,346 gives the same sequence; the c. name uses the placement nearest the transcript's 3' end. VCF-style (leftmost placement, unchanged base first): chrX-38286326-T-TCCTTCCTCTTCTCCCTCCC. GRCh37 (hg19) VCF-style: chrX-38145579-T-TCCTTCCTCTTCTCCCTCCC.
Other names: c.1569+4614_1569+4632dup (NM_001367249.1, NM_001367250.1); c.1902+749_1902+767dup (NM_001367245.1); c.1386+4614_1386+4632dup (NM_001367251.1); c.1719+749_1719+767dup (NM_001367246.1); c.1572+4614_1572+4632dup (NM_001367247.1); c.1905+749_1905+767dup (NM_000328.3); c.1602+4614_1602+4632dup (NM_001367248.1); short protein forms E892fs.
Identifiers: ClinVar variation 3346717 (VCV003346717.1).
Genomic context (GRCh38, chrX:38,286,326, plus strand): 5'-CTCCCCTTCTCCTTCCTCTTCTCCCTCCCCTTCTCCTTCCTCCTCTTCTCCCTCCCCTTC[T>TCCTTCCTCTTCTCCCTCCC]CCTTCCTCTTCTCCCTCCCCTTCTCCTTCCTCCTCTTCCCCCTCCCCTTCTCCTTCCTCC-3'

ClinVar aggregate classification (germline): Pathogenic (0 of 4 stars; one submission).

Conditions:
RPGR-related disorder. Also called: RPGR-related condition.

Submission:

PreventionGenetics, part of Exact Sciences
Classification: Pathogenic for RPGR-related condition. Last evaluated: 2024-06-26. Review status: no assertion criteria provided. Collection method: clinical testing. Allele origin: germline.
Comment: The RPGR c.2654_2672dup19 variant is predicted to result in a frameshift and premature protein termination (p.Glu892Glyfs*193). To our knowledge, this variant has not been reported in the literature or in a large population database, indicating this variant is rare. Frameshift variants in RPGR have been well-documented to cause X-linked retinitis pigmentosa (Carss et al. 2017. PubMed ID: 28041643; Martin-Merida et al. 2019. PubMed ID: 30902645). We interpret this variant as pathogenic.